The following is an entry in ClinVar:

NC_000004.11:g.(?_493125)_(501402_?)del

Genes: PIGG (phosphatidylinositol glycan anchor biosynthesis class G (EMM blood group); plus strand), ZNF721 (zinc finger protein 721; minus strand). Cytogenetic location: 4p16.3.
Variant type: Deletion.
Identifiers: ClinVar variation 3246693 (VCV003246693.1).

ClinVar aggregate classification (germline): Pathogenic (1 of 4 stars; one submission).

Conditions:
Intellectual disability, autosomal recessive 53 (NEDHSCA). Also called: NEURODEVELOPMENTAL DISORDER WITH OR WITHOUT HYPOTONIA, SEIZURES, AND CEREBELLAR ATROPHY; Mental retardation, autosomal recessive 53; GLYCOSYLPHOSPHATIDYLINOSITOL BIOSYNTHESIS DEFECT 13. Identifiers: Orphanet 488635, MedGen C4310794, MONDO:0014832, OMIM 616917.

Submission:

Labcorp Genetics (formerly Invitae), Labcorp
Classification: Pathogenic for Intellectual disability, autosomal recessive 53. Last evaluated: 2024-01-05. Review status: criteria provided, single submitter. Criteria: Invitae Variant Classification Sherloc (09022015). Collection method: clinical testing. Allele origin: unknown.
Comment: This variant is a gross deletion of the genomic region encompassing exon(s) 1-4 of the PIGG gene, which includes the initiator codon. This deletion extends beyond the assayed region for this gene and therefore may encompass additional genes. It is expected to result in an absent or disrupted protein product. Loss-of-function variants in PIGG are known to be pathogenic (PMID: 26996948, 28581210, 28771251). This variant has not been reported in the literature in individuals affected with PIGG-related conditions. For these reasons, this variant has been classified as Pathogenic.

Literature cited by the submitters: PubMed 26996948; PubMed 28581210; PubMed 28771251.